The following is an entry in ClinVar:

ClinVar aggregate classification (germline): Pathogenic/Likely pathogenic. Review status: criteria provided, multiple submitters, no conflicts (2 of 4 stars). 16 submissions from 16 submitters: Pathogenic (11); Likely pathogenic (1). 4 of the submissions do not count toward it. Last evaluated 2025-06-23.

Conditions:
Mucopolysaccharidosis, MPS-II (MPS2). Also called: Mucopolysaccharidosis with skin involvement; IDS deficiency; Sulfoiduronate sulfatase deficiency; SIDS deficiency; Attenuated MPS (subtype; formerly known as mild MPS II); Severe MPS II. Identifiers: Orphanet 580, Orphanet 79388, MedGen C0026705, MONDO:0010674, OMIM 309900.
Mucopolysaccharidosis, type II, mild form. Identifiers: MedGen C0342842.
Mucopolysaccharidosis, MPS-III-A (MPS3A). Also called: Mucopolysaccharidosis, type IIIA; MPS III A; Mucopolysaccharidosis type IIIA (Sanfilippo A); SANFILIPPO SYNDROME A; SULFAMIDASE DEFICIENCY; mucopolysaccharidosis type 3A. Identifiers: Orphanet 581, Orphanet 79269, MedGen C0086647, MONDO:0009655, OMIM 252900.

Submissions 1 to 13 of 16:

Labcorp Genetics (formerly Invitae), Labcorp
Classification: Pathogenic for Mucopolysaccharidosis, MPS-II. Last evaluated: 2025-06-23. Review status: criteria provided, single submitter. Criteria: Invitae Variant Classification Sherloc (09022015). Collection method: clinical testing. Allele origin: germline.
Comment: This sequence change replaces arginine, which is basic and polar, with tryptophan, which is neutral and slightly polar, at codon 468 of the IDS protein (p.Arg468Trp). This variant is not present in population databases (gnomAD no frequency). This missense change has been observed in individuals with mucopolysaccharidosis type II (PMID: 1284597, 15614569, 28077157, 30639582). ClinVar contains an entry for this variant (Variation ID: 10497). Invitae Evidence Modeling of protein sequence and biophysical properties (such as structural, functional, and spatial information, amino acid conservation, physicochemical variation, residue mobility, and thermodynamic stability) indicates that this missense variant is expected to disrupt IDS protein function with a positive predictive value of 95%. Experimental studies have shown that this missense change affects IDS function (PMID: 1284597, 15614569). For these reasons, this variant has been classified as Pathogenic.

Natera, Inc.
Classification: Pathogenic for Mucopolysaccharidosis type IIIA. Last evaluated: 2024-06-21. Review status: criteria provided, single submitter. Criteria: Natera Variant Classification Schema (03/2026). Collection method: clinical testing. Allele origin: germline.
Comment: The c.1402C>T variant in IDS is a missense variant predicted to cause substitution of arginine to tryptophan at amino acid 468. This variant is rare in the general population with a frequency below the threshold expected for the associated phenotype(s). This variant has been observed in affected individual(s) with monoallelic occurrence (heterozygous/hemizygous) (PMID: 28077157, 30639582, 8554071, 35144014, 29966168, 33960103). Functional studies show that this variant may disrupt protein function (PMID: 31877959, 15614569). A different variant at the same position has been determined to be Pathogenic or Likely Pathogenic. Computational prediction algorithms indicate this variant is likely to affect gene or protein function. Given the available evidence, this variant is classified as Pathogenic.

Laboratory of Diagnosis and Therapy of Lysosomal Disorders, University of Padova
Classification: Pathogenic for Mucopolysaccharidosis, MPS-II. Last evaluated: 2024-06-07. Review status: criteria provided, single submitter. Criteria: ACMG Guidelines, 2015. Collection method: literature only. Allele origin: germline. Affected: yes. Observed: 75 variant alleles.
Comment: In vitro or in vivo functional studies supportive of a damaging effect (PS3_Strong), Prevalence of the variant significantly increased in affected individuals compared with controls (PS4_Strong), Absent from controls (or at low frequency) in gnomAD database (PM2_Moderate), Missense variant in a gene with a low rate of benign missense variation (PP2_Supporting), Multiple lines of computational evidence support a deleterious effect (PP3_Supporting), Patient’s phenotype or family history highly specific for the disease (PP4_Moderate)

Classification method: ACMG Guidelines [PMID:25741868] with modifications

GeneDx
Classification: Pathogenic. Last evaluated: 2024-06-05. Review status: criteria provided, single submitter. Criteria: GeneDx Variant Classification Process June 2021. Collection method: clinical testing. Allele origin: germline. Affected: yes.
Comment: Expression studies found that this variant is associated with 0%-0.6% of wild-type IDS activity levels (PMID: 15614569); Not observed at significant frequency in large population cohorts (gnomAD); In silico analysis supports that this missense variant has a deleterious effect on protein structure/function; This variant is associated with the following publications: (PMID: 1284597, 27351199, 34813777, 35144014, 12048688, 29966168, 28077157, 15614569, 33676511, 30639582)

Foundation for Research in Genetics and Endocrinology, FRIGE's Institute of Human Genetics
Classification: Pathogenic for Mucopolysaccharidosis, MPS-II. Last evaluated: 2024-01-25. Review status: criteria provided, single submitter. Criteria: ACMG Guidelines, 2015. Collection method: clinical testing. Allele origin: germline. Inheritance: X-linked recessive inheritance. Affected: yes. Observed: 1 hemizygote.
Comment: A hemizygous missense variation in exon 9 of the IDS gene that results in the amino acid substitution of Tryptophan for Arginine at codon 468 was detected. The observed variant c.1402C>T (p.Arg468Trp) has not been reported in the 1000 genomes and gnomAD databases. The in silico prediction of the variant is damaging by PolyPhen-2 (HumDiv), SIFT, FATHMM, DANN, MetaLR and MutationTaster2. The reference codon is conserved across species. In summary, the variant meets our criteria to be classified as a pathogenic.

Kasturba Medical College, Manipal, Kasturba Medical College, Manipal, Manipal Academy of Higher Education, Manipal, India
Classification: Likely pathogenic for Mucopolysaccharidosis, MPS-II. Last evaluated: 2022-05-09. Review status: criteria provided, single submitter. Criteria: ACMG Guidelines, 2015. Collection method: clinical testing. Allele origin: germline. Affected: yes.

Genome-Nilou Lab
Classification: Pathogenic for Mucopolysaccharidosis, MPS-II. Last evaluated: 2021-09-05. Review status: criteria provided, single submitter. Criteria: ACMG Guidelines, 2015. Collection method: clinical testing. Allele origin: germline. Affected: no.

Women's Health and Genetics/Laboratory Corporation of America, LabCorp
Classification: Pathogenic for Mucopolysaccharidosis, MPS-II. Last evaluated: 2017-06-26. Review status: criteria provided, single submitter. Criteria: LabCorp Variant Classification Summary - May 2015. Collection method: clinical testing. Allele origin: germline.
Comment: Variant summary: The IDS c.1402C>T (p.Arg468Trp) variant involves the alteration of a non-conserved nucleotide. 4/4 in silico tools predict a damaging outcome for this variant (SNPsandGO not captured due to low reliability index). This variant is absent in 159432 control chromosomes. This variant has been reported in multiple affected individuals mostly presented with severe form of the disease. Functional studies showed variant with <5% of WTs enzyme activity. Variant affecting the same codon R468Q has also been reported in multiple affected males presenting with Mucopolysaccharidosis type II (Hunter syndrome), suggesting the functional importance of this residue. In addition, multiple clinical diagnostic laboratories/reputable databases classified this variant as pathogenic. Taken together, this variant is classified as pathogenic.

Eurofins Ntd Llc (ga)
Classification: Pathogenic. Last evaluated: 2014-07-28. Review status: criteria provided, single submitter. Criteria: EGL Classification Definitions 2015. Collection method: clinical testing. Allele origin: germline. Observed: 5 variant alleles, 3 heterozygotes, 2 hemizygotes.

IIFP, CONICET-UNLP
Classification: Pathogenic for Mucopolysaccharidosis, MPS-II. Last evaluated: 2014-06-10. Review status: criteria provided, single submitter. Criteria: ACMG Guidelines, 2007. Collection method: research. Allele origin: unknown. Inheritance: X-linked inheritance. Affected: yes. Observed: 1 variant allele.

Department of Medical Genetics, Sanjay Gandhi Post Graduate Institute of Medical Sciences
Classification: Pathogenic for Mucopolysaccharidosis, MPS-II. Review status: criteria provided, single submitter. Criteria: ACMG Guidelines, 2015. Collection method: clinical testing. Allele origin: germline. Inheritance: X-linked recessive inheritance. Affected: yes. Observed: 2 variant alleles, 2 hemizygotes. Clinical features observed: Motor delay (HP:0001270), Flexion contracture (HP:0001371), Coarse facial features (HP:0000280), Depressed nasal bridge (HP:0005280), Macrocephaly (HP:0000256), Abnormal heart valve morphology (HP:0001654), Inguinal hernia (HP:0000023), Umbilical hernia (HP:0001537), Hepatosplenomegaly (HP:0001433), Dysostosis multiplex (HP:0000943).

Juno Genomics, Hangzhou Juno Genomics, Inc
Classification: Pathogenic for Mucopolysaccharidosis, MPS-II. Review status: criteria provided, single submitter. Criteria: ACMG Guidelines, 2015. Collection method: clinical testing. Allele origin: germline. Affected: yes.
Comment: Absent from controls (or at extremely low frequency if recessive) in Genome Aggregation Database, Exome Sequencing Project, 1000 Genomes Project, or Exome Aggregation Consortium.;Multiple lines of computational evidence support a deleterious effect on the gene or gene product (conservation, evolutionary, splicing impact, etc).;Novel missense change at an amino acid residue where a different missense change determined to be pathogenic has been seen before.;Well-established in vitro or in vivo functional studies supportive of a damaging effect on the gene or gene product.;The prevalence of the variant in affected individuals is significantly increased compared to the prevalence in controls.

Counsyl
Classification: Pathogenic for Mucopolysaccharidosis, MPS-II. Last evaluated: 2017-06-26. Review status: no assertion criteria provided. Collection method: clinical testing. Allele origin: unknown. Not counted in ClinVar's aggregate classification.

NM_000202.8(IDS):c.1402C>T (p.Arg468Trp)

Gene: IDS (iduronate 2-sulfatase; minus strand). Cytogenetic location: Xq28.
Variant type: single nucleotide variant.
Coding change: c.1402C>T on transcript NM_000202.8 (MANE Select); coding-DNA position 1402, C replaced by T.
Protein change: p.Arg468Trp; replaces arginine 468 with tryptophan.
Molecular consequence: missense variant.
Genome position (GRCh38, 1-based): chrX:149,482,997, G>A on the plus strand (C>T on the coding strand, the complement: IDS is on the minus strand). VCF-style: chrX-149482997-G-A. GRCh37 (hg19) VCF-style: chrX-148564528-G-A.
Other names: c.1402C>T (NM_000202.7, NM_000202.4); c.1132C>T, p.Arg378Trp (NM_001166550.4); short protein forms R468W, R378W.
Identifiers: ClinVar variation 10497 (VCV000010497.30), dbSNP rs199422231, ClinGen allele CA340991.